The following is an entry in ClinVar:

ClinVar aggregate classification (germline): Pathogenic (1 of 4 stars; one submission).

Submission:

GeneDx
Classification: Pathogenic. Last evaluated: 2017-09-25. Review status: criteria provided, single submitter. Criteria: GeneDx Variant Classification (06012015). Collection method: clinical testing. Allele origin: germline. Affected: yes.
Comment: The L825X pathogenic variant in the LRP2 gene has not been reported previously as a pathogenic variant nor as a benign variant, to our knowledge. This variant is predicted to cause loss of normal protein function either through protein truncation or nonsense-mediated mRNA decay. The L825X variant is not observed in large population cohorts (Lek et al., 2016). We interpret L825X as a pathogenic variant.

NM_004525.3(LRP2):c.2474del (p.Tyr824_Leu825insTer)

Gene: LRP2 (LDL receptor related protein 2; minus strand). Cytogenetic location: 2q31.1.
Variant type: Deletion.
Coding change: c.2474del on transcript NM_004525.3 (MANE Select); coding-DNA position 2474, one base deleted (T; older notation c.2474delT).
Protein change: p.Tyr824_Leu825insTer.
Molecular consequence: nonsense.
Genome position (GRCh38, 1-based): chr2:169,259,064, A deleted on the plus strand (T on the coding strand, the reverse complement: LRP2 is on the minus strand); the first of 3 consecutive A bases (chr2:169,259,064-169,259,066); deleting any one gives the same sequence. VCF-style (leftmost placement, unchanged base first): chr2-169259063-TA-T. GRCh37 (hg19) VCF-style: chr2-170115573-TA-T.
Identifiers: ClinVar variation 452405 (VCV000452405.2), dbSNP rs1553504456, ClinGen allele CA658657122.